The following is an entry in ClinVar:

ClinVar aggregate classification (germline): Uncertain significance (1 of 4 stars; one submission).

Allele frequency attached by ClinVar (database versions not stated): gnomAD exomes 0.00003 and 0.00004; TOPMed 0.00003; gnomAD 0.00006 and 0.00007; 1000 Genomes Project 30x 0.00021.
gnomAD v4.1: 40 of 1,113,403 alleles (0.0036%); highest among the groups gnomAD compares: Admixed American, 0.0061%; no homozygotes.

Submission:

Labcorp Genetics (formerly Invitae), Labcorp
Classification: Uncertain significance. Last evaluated: 2024-11-27. Review status: criteria provided, single submitter. Criteria: Invitae Variant Classification Sherloc (09022015). Collection method: clinical testing. Allele origin: germline.
Comment: This sequence change replaces glutamic acid, which is acidic and polar, with lysine, which is basic and polar, at codon 42 of the ATP6AP1 protein (p.Glu42Lys). This variant is present in population databases (no rsID available, gnomAD 0.008%). This variant has not been reported in the literature in individuals affected with ATP6AP1-related conditions. ClinVar contains an entry for this variant (Variation ID: 1371490). Invitae Evidence Modeling of protein sequence and biophysical properties (such as structural, functional, and spatial information, amino acid conservation, physicochemical variation, residue mobility, and thermodynamic stability) indicates that this missense variant is not expected to disrupt ATP6AP1 protein function with a negative predictive value of 80%. In summary, the available evidence is currently insufficient to determine the role of this variant in disease. Therefore, it has been classified as a Variant of Uncertain Significance.

NM_001183.6(ATP6AP1):c.124G>A (p.Glu42Lys)

Gene: ATP6AP1 (ATPase H+ transporting accessory protein 1; plus strand). Cytogenetic location: Xq28.
Variant type: single nucleotide variant.
Coding change: c.124G>A on transcript NM_001183.6 (MANE Select); coding-DNA position 124, G replaced by A.
Protein change: p.Glu42Lys; replaces glutamic acid 42 with lysine.
Molecular consequence: missense variant.
Genome position (GRCh38, 1-based): chrX:154,428,816, G>A. VCF-style: chrX-154428816-G-A. GRCh37 (hg19) VCF-style: chrX-153657162-G-A.
Other names: short protein forms E42K.
Identifiers: ClinVar variation 1371490 (VCV001371490.8), dbSNP rs971978747, ClinGen allele CA337292553.